The following is an entry in ClinVar:

ClinVar aggregate classification (germline): Pathogenic (1 of 4 stars; one submission).

Submission:

Ambry Genetics
Classification: Pathogenic. Last evaluated: 2025-12-14. Review status: criteria provided, single submitter. Criteria: Ambry Variant Classification Scheme 2023. Collection method: clinical testing. Allele origin: germline.
Comment: The c.101delG (p.G34Dfs*25) alteration, located in coding exon 2 of the ATXN7L3 gene, consists of a deletion of one nucleotide at position 101, causing a translational frameshift with a predicted alternate stop codon after 25 amino acids. This alteration is expected to result in loss of function by premature protein truncation or nonsense-mediated mRNA decay. This variant was not reported in population-based cohorts in the Genome Aggregation Database (gnomAD). Based on the available evidence, this alteration is classified as pathogenic.

NM_020218.1:c.101delG

Gene: ATXN7L3 (ataxin 7 like 3; minus strand).
Variant type: Deletion.
Identifiers: ClinVar variation 4644711 (VCV004644711.1).